The following is an entry in ClinVar:

ClinVar aggregate classification (germline): Conflicting classifications of pathogenicity. Review status: criteria provided, conflicting classifications (1 of 4 stars). 2 submissions from 2 submitters: Uncertain significance (1); Likely benign (1). Last evaluated 2022-11-18.

Conditions:
Familial thoracic aortic aneurysm and aortic dissection (TAAD). Also called: Thoracic aortic aneurysms and dissections. Identifiers: Orphanet 91387, MedGen C4707243, MONDO:0019625.
Rienhoff syndrome. Also called: LOEYS-DIETZ SYNDROME 5. Identifiers: MedGen C3810012, MONDO:0014262, OMIM 615582.

Allele frequency attached by ClinVar (database versions not stated): TOPMed 0.00001.

Submissions (2):

Ambry Genetics
Classification: Likely benign for Familial thoracic aortic aneurysm and aortic dissection. Last evaluated: 2022-11-18. Review status: criteria provided, single submitter. Criteria: Ambry Variant Classification Scheme 2023. Collection method: clinical testing. Allele origin: germline.

Labcorp Genetics (formerly Invitae), Labcorp
Classification: Uncertain significance for Rienhoff syndrome. Last evaluated: 2022-11-10. Review status: criteria provided, single submitter. Criteria: Invitae Variant Classification Sherloc (09022015). Collection method: clinical testing. Allele origin: germline.
Comment: This variant is not present in population databases (gnomAD no frequency). This sequence change replaces asparagine, which is neutral and polar, with serine, which is neutral and polar, at codon 255 of the TGFB3 protein (p.Asn255Ser). This variant has not been reported in the literature in individuals affected with TGFB3-related conditions. In summary, the available evidence is currently insufficient to determine the role of this variant in disease. Therefore, it has been classified as a Variant of Uncertain Significance. Advanced modeling of protein sequence and biophysical properties (such as structural, functional, and spatial information, amino acid conservation, physicochemical variation, residue mobility, and thermodynamic stability) performed at Invitae indicates that this missense variant is not expected to disrupt TGFB3 protein function.

NM_003239.5(TGFB3):c.764A>G (p.Asn255Ser)

Gene: TGFB3 (transforming growth factor beta 3; minus strand). Cytogenetic location: 14q24.3.
Variant type: single nucleotide variant.
Coding change: c.764A>G on transcript NM_003239.5 (MANE Select); coding-DNA position 764, A replaced by G.
Protein change: p.Asn255Ser; replaces asparagine 255 with serine.
Molecular consequence: missense variant.
Genome position (GRCh38, 1-based): chr14:75,963,478, T>C on the plus strand (A>G on the coding strand, the complement: TGFB3 is on the minus strand). VCF-style: chr14-75963478-T-C. GRCh37 (hg19) VCF-style: chr14-76429821-T-C.
Other names: c.764A>G, p.Asn255Ser (NM_001329938.2, NM_001329939.2); short protein forms N255S.
Identifiers: ClinVar variation 2452146 (VCV002452146.5), dbSNP rs2035184283, ClinGen allele CA390468735.